The following is an entry in ClinVar:

ClinVar aggregate classification (germline): Uncertain significance (1 of 4 stars; one submission).

Submission:

GeneDx
Classification: Uncertain significance. Last evaluated: 2017-06-12. Review status: criteria provided, single submitter. Criteria: GeneDx Variant Classification (06012015). Collection method: clinical testing. Allele origin: germline. Affected: yes.
Comment: The F1215L variant in the SHROOM4 gene has not been reported previously as a pathogenic variant, nor as a benign variant, to our knowledge. The F1215L variant is not observed in large population cohorts (Lek et al., 2016; 1000 Genomes Consortium et al., 2015; Exome Variant Server). The F1215L variant is a conservative amino acid substitution, which occurs at a position that is not conserved. In silico analysis predicts this variant likely does not alter the protein structure/function. We interpret F1215L as a variant of uncertain significance.

NM_020717.5(SHROOM4):c.3645C>G (p.Phe1215Leu)

Gene: SHROOM4 (shroom family member 4; minus strand). Cytogenetic location: Xp11.22.
Variant type: single nucleotide variant.
Coding change: c.3645C>G on transcript NM_020717.5 (MANE Select); coding-DNA position 3645, C replaced by G.
Protein change: p.Phe1215Leu; replaces phenylalanine 1215 with leucine.
Molecular consequence: missense variant. On other transcripts: non-coding transcript variant (4).
Genome position (GRCh38, 1-based): chrX:50,607,497, G>C on the plus strand (C>G on the coding strand, the complement: SHROOM4 is on the minus strand). VCF-style: chrX-50607497-G-C. GRCh37 (hg19) VCF-style: chrX-50350497-G-C.
Other names: short protein forms F1215L.
Identifiers: ClinVar variation 379473 (VCV000379473.2), dbSNP rs1057520609, ClinGen allele CA16608937.
Genomic context (GRCh38, chrX:50,607,497, plus strand): 5'-GTAGCAAGGGGGCTGAGCCTGCTCAGGTTGAGATCCCAAGTGACCCCTTATTGGAGGCAA[G>C]AAATCACTGGAATGGAGTGCAAAGGATTCTTGCTCTGCTGGGACACTTTGTGAACCCTGT-3'
Protein context (NP_065768.2, residues 1205-1225): QESFALHSSD[Phe1215Leu]LPPIRGHLGS